The following is an entry in ClinVar:

NM_006087.4(TUBB4A):c.942C>T (p.Ala314=)

Gene: TUBB4A (tubulin beta 4A class IVa; minus strand). Cytogenetic location: 19p13.3.
Variant type: single nucleotide variant.
Coding change: c.942C>T on transcript NM_006087.4 (MANE Select); coding-DNA position 942, C replaced by T.
Protein change: p.Ala314=; no amino-acid change (alanine 314 retained).
Molecular consequence: synonymous variant.
Genome position (GRCh38, 1-based): chr19:6,495,557, G>A on the plus strand (C>T on the coding strand, the complement: TUBB4A is on the minus strand). VCF-style: chr19-6495557-G-A. GRCh37 (hg19) VCF-style: chr19-6495568-G-A.
Other names: c.1095C>T, p.Ala365= (NM_001289123.2); c.1077C>T, p.Ala359= (NM_001289127.2); c.942C>T, p.Ala314= (NM_001289129.2); c.726C>T, p.Ala242= (NM_001289130.2, NM_001289131.2).
Identifiers: ClinVar variation 1124842 (VCV001124842.22), dbSNP rs199608353, ClinGen allele CA9127299.

ClinVar aggregate classification (germline): Likely benign. Review status: criteria provided, multiple submitters, no conflicts (2 of 4 stars). 3 submissions from 3 submitters: Likely benign (3). Last evaluated 2025-05-01.

Conditions:
Leukodystrophy, hypomyelinating, 6. Also called: TUBB4A-Associated Leukodystrophy; Hypomyelination with Atrophy of Basal Ganglia and Cerebellum (H-ABC); LEUKODYSTROPHY, HYPOMYELINATING, WITH ATROPHY OF THE BASAL GANGLIA AND CEREBELLUM. Identifiers: Orphanet 139441, MedGen C2676244, MONDO:0012905, OMIM 612438.

Allele frequency attached by ClinVar (database versions not stated): ExAC 0.00001; gnomAD exomes 0.00002; gnomAD 0.00003 and 0.00004; TOPMed 0.00003.
gnomAD v4.1: 29 of 1,613,944 alleles (0.0018%); highest among the groups gnomAD compares: South Asian, 0.0033%; no homozygotes.

Submissions (3):

CeGaT Center for Human Genetics Tuebingen
Classification: Likely benign. Last evaluated: 2025-05-01. Review status: criteria provided, single submitter. Criteria: CeGaT Center For Human Genetics Tuebingen Variant Classification Criteria Version 2. Collection method: clinical testing. Allele origin: germline. Affected: yes. Observed: 1 variant allele.
Comment: TUBB4A: BP4, BP7

Labcorp Genetics (formerly Invitae), Labcorp
Classification: Likely benign for Leukodystrophy, hypomyelinating, 6. Last evaluated: 2025-03-27. Review status: criteria provided, single submitter. Criteria: Invitae Variant Classification Sherloc (09022015). Collection method: clinical testing. Allele origin: germline.

GeneDx
Classification: Likely benign. Last evaluated: 2020-11-24. Review status: criteria provided, single submitter. Criteria: GeneDx Variant Classification Process June 2021. Collection method: clinical testing. Allele origin: germline. Affected: yes.